The following is an entry in ClinVar:

ClinVar aggregate classification (germline): Uncertain significance. Review status: criteria provided, multiple submitters, no conflicts (2 of 4 stars). 2 submissions from 2 submitters: Uncertain significance (2). Last evaluated 2025-03-17.

Conditions:
Inborn genetic diseases. Identifiers: MedGen C0950123, MeSH D030342.

Submissions (2):

Labcorp Genetics (formerly Invitae), Labcorp
Classification: Uncertain significance. Last evaluated: 2025-03-17. Review status: criteria provided, single submitter. Criteria: Invitae Variant Classification Sherloc (09022015). Collection method: clinical testing. Allele origin: germline.
Comment: This variant, c.1399_1401del, results in the deletion of 1 amino acid(s) of the FOXP1 protein (p.Pro467del), but otherwise preserves the integrity of the reading frame. This variant is not present in population databases (gnomAD no frequency). This variant has not been reported in the literature in individuals affected with FOXP1-related conditions. Experimental studies and prediction algorithms are not available or were not evaluated, and the functional significance of this variant is currently unknown. In summary, the available evidence is currently insufficient to determine the role of this variant in disease. Therefore, it has been classified as a Variant of Uncertain Significance.

Ambry Genetics
Classification: Uncertain significance for Inborn genetic diseases. Last evaluated: 2024-05-22. Review status: criteria provided, single submitter. Criteria: Ambry Variant Classification Scheme 2023. Collection method: clinical testing. Allele origin: germline.
Comment: The c.1399_1401delCCA (p.P467del) alteration, located in coding exon 11 of the FOXP1 gene, results from an in-frame 3 base pair deletion at nucleotide positions c.1399 to c.1401. This results in the deletion of one residue at codon 467. This variant was not reported in population-based cohorts in the Genome Aggregation Database (gnomAD). This amino acid position is highly conserved in available vertebrate species. This alteration is predicted to be deleterious by in silico analysis (Choi, 2012). Based on insufficient or conflicting evidence, the clinical significance of this alteration remains unclear.

NM_001349338.3(FOXP1):c.1396CCA[1] (p.Pro467del)

Gene: FOXP1 (forkhead box P1; minus strand). Cytogenetic location: 3p13.
Variant type: Microsatellite.
Coding change: c.1396CCA[1] on transcript NM_001349338.3 (MANE Select); one copy of the 3-base unit CCA starting at c.1396; the reference has two copies in a row; one copy, 3 bases deleted.
Protein change: p.Pro467del; deletes proline 467.
Molecular consequence: inframe deletion. On other transcripts: non-coding transcript variant (2).
Genome position (GRCh38, 1-based): chr3:70,977,670-70,977,672, TGG deleted on the plus strand (CCA on the coding strand, the reverse complement: FOXP1 is on the minus strand); deleting any 3 consecutive bases within chr3:70,977,670-70,977,676 gives the same sequence; the position shown is the placement nearest the transcript's 3' end. VCF-style (leftmost placement, unchanged base first): chr3-70977669-ATGG-A. GRCh37 (hg19) VCF-style: chr3-71026820-ATGG-A.
Other names: c.1393CCA[1], p.Pro466del (NM_001244808.3, NM_001349341.3); c.1396CCA[1], p.Pro467del (NM_001244810.2, NM_001244814.3, NM_001244816.2 and 2 more transcripts); c.1168CCA[1], p.Pro391del (NM_001244812.3); c.1096CCA[1], p.Pro367del (NM_001244813.3, NM_001244815.2, NM_001349342.3); c.1093CCA[1], p.Pro366del (NM_001349337.2, NM_001349343.3, NM_001349344.3 and 1 more transcripts); short protein forms P366del, P391del, P466del, P367del, P467del.
Identifiers: ClinVar variation 3279659 (VCV003279659.3).